The following is an entry in ClinVar:

NM_003743.5(NCOA1):c.3669T>G (p.Pro1223=)

Gene: NCOA1 (nuclear receptor coactivator 1; plus strand). Cytogenetic location: 2p23.3.
Variant type: single nucleotide variant.
Coding change: c.3669T>G on transcript NM_003743.5 (MANE Select); coding-DNA position 3669, T replaced by G.
Protein change: p.Pro1223=; no amino-acid change (proline 1223 retained).
Molecular consequence: synonymous variant.
Genome position (GRCh38, 1-based): chr2:24,742,149, T>G. VCF-style: chr2-24742149-T-G. GRCh37 (hg19) VCF-style: chr2-24965018-T-G.
Other names: c.3669T>G, p.Pro1223= (NM_001362950.1, NM_001362952.1, NM_001362954.1 and 3 more transcripts).
Identifiers: ClinVar variation 3345605 (VCV003345605.1).

ClinVar aggregate classification (germline): Likely benign (0 of 4 stars; one submission).

Conditions:
NCOA1-related disorder. Also called: NCOA1-related condition.

Submission:

PreventionGenetics, part of Exact Sciences
Classification: Likely benign for NCOA1-related condition. Last evaluated: 2024-07-25. Review status: no assertion criteria provided. Collection method: clinical testing. Allele origin: germline.
Comment: This variant is classified as likely benign based on ACMG/AMP sequence variant interpretation guidelines (Richards et al. 2015 PMID: 25741868, with internal and published modifications).